The following is an entry in ClinVar:

NM_144687.4(NLRP12):c.644T>C (p.Met215Thr)

Gene: NLRP12 (NLR family pyrin domain containing 12; minus strand). Cytogenetic location: 19q13.42.
Variant type: single nucleotide variant.
Coding change: c.644T>C on transcript NM_144687.4 (MANE Select); coding-DNA position 644, T replaced by C.
Protein change: p.Met215Thr; replaces methionine 215 with threonine.
Molecular consequence: missense variant.
Genome position (GRCh38, 1-based): chr19:53,811,015, A>G on the plus strand (T>C on the coding strand, the complement: NLRP12 is on the minus strand). VCF-style: chr19-53811015-A-G. GRCh37 (hg19) VCF-style: chr19-54314269-A-G.
Other names: c.644T>C, p.Met215Thr (NM_001277126.2, NM_001277129.1); short protein forms M215T.
Identifiers: ClinVar variation 840449 (VCV000840449.10), dbSNP rs768852576, ClinGen allele CA9639644.

ClinVar aggregate classification (germline): Uncertain significance. Review status: criteria provided, multiple submitters, no conflicts (2 of 4 stars). 2 submissions from 2 submitters: Uncertain significance (2). Last evaluated 2022-06-09.

Conditions:
Familial cold autoinflammatory syndrome 2 (FCAS2). Identifiers: Orphanet 247868, MedGen C2673198, MONDO:0012724, OMIM 611762.

Allele frequency attached by ClinVar (database versions not stated): gnomAD exomes below 0.00001; ExAC 0.00001; gnomAD 0.00001.
gnomAD v4.1: 2 of 1,613,676 alleles (0.00012%); highest among the groups gnomAD compares: Non-Finnish European, 0.00017%; no homozygotes.

Submissions (2):

Labcorp Genetics (formerly Invitae), Labcorp
Classification: Uncertain significance for Familial cold autoinflammatory syndrome 2. Last evaluated: 2022-06-09. Review status: criteria provided, single submitter. Criteria: Invitae Variant Classification Sherloc (09022015). Collection method: clinical testing. Allele origin: germline.
Comment: In summary, the available evidence is currently insufficient to determine the role of this variant in disease. Therefore, it has been classified as a Variant of Uncertain Significance. Algorithms developed to predict the effect of missense changes on protein structure and function are either unavailable or do not agree on the potential impact of this missense change (SIFT: "Deleterious"; PolyPhen-2: "Benign"; Align-GVGD: "Class C45"). ClinVar contains an entry for this variant (Variation ID: 840449). This variant has not been reported in the literature in individuals affected with NLRP12-related conditions. This variant is present in population databases (rs768852576, gnomAD 0.0009%). This sequence change replaces methionine, which is neutral and non-polar, with threonine, which is neutral and polar, at codon 215 of the NLRP12 protein (p.Met215Thr).

Baylor Genetics
Classification: Uncertain significance for Familial cold autoinflammatory syndrome 2. Last evaluated: 2020-07-03. Review status: criteria provided, single submitter. Criteria: ACMG Guidelines, 2015. Collection method: clinical testing. Allele origin: unknown. Affected: yes.
Comment: This variant was determined to be of uncertain significance according to ACMG Guidelines, 2015 [PMID:25741868].